The following is an entry in ClinVar:

ClinVar aggregate classification (germline): Conflicting classifications of pathogenicity. Review status: criteria provided, conflicting classifications (1 of 4 stars). 3 submissions from 3 submitters: Uncertain significance (2); Likely benign (1). Last evaluated 2025-05-15.

Conditions:
Hereditary cancer-predisposing syndrome. Also called: Tumor predisposition; Neoplastic Syndromes, Hereditary; Hereditary neoplastic syndrome; Hereditary Cancer Syndrome. Identifiers: Orphanet 140162, MedGen C0027672, MeSH D009386, MONDO:0015356.
Hereditary breast ovarian cancer syndrome. Also called: Hereditary breast and ovarian cancer; Hereditary breast and ovarian cancer syndrome (HBOC); Breast and ovarian cancer; Hereditary breast and ovarian cancer syndrome; BRCA1- and BRCA2-Associated Hereditary Breast and Ovarian Cancer; Hereditary breast and/or ovarian cancer syndrome. Identifiers: Orphanet 145, MedGen C0677776, MeSH D061325, MONDO:0003582. Disease mechanism: loss of function.

Submissions (3):

Ambry Genetics
Classification: Likely benign for Hereditary cancer-predisposing syndrome. Last evaluated: 2025-05-15. Review status: criteria provided, single submitter. Criteria: Ambry Variant Classification Scheme 2023. Collection method: clinical testing. Allele origin: germline.

Color Diagnostics, LLC DBA Color Health
Classification: Uncertain significance for Hereditary cancer-predisposing syndrome. Last evaluated: 2023-12-05. Review status: criteria provided, single submitter. Criteria: ACMG Guidelines, 2015. Collection method: clinical testing. Allele origin: germline.
Comment: This missense variant replaces glutamic acid with aspartic acid at codon 2850 of the BRCA2 protein. Computational prediction suggests that this variant may not impact protein structure and function (internally defined REVEL score threshold <= 0.5, PMID: 27666373). To our knowledge, functional studies have not been reported for this variant. This variant has not been reported in individuals affected with BRCA2-related disorders in the literature. This variant has not been identified in the general population by the Genome Aggregation Database (gnomAD). The available evidence is insufficient to determine the role of this variant in disease conclusively. Therefore, this variant is classified as a Variant of Uncertain Significance.

Labcorp Genetics (formerly Invitae), Labcorp
Classification: Uncertain significance for Hereditary breast ovarian cancer syndrome. Last evaluated: 2021-07-06. Review status: criteria provided, single submitter. Criteria: Invitae Variant Classification Sherloc (09022015). Collection method: clinical testing. Allele origin: germline.
Comment: This sequence change replaces glutamic acid with aspartic acid at codon 2850 of the BRCA2 protein (p.Glu2850Asp). The glutamic acid residue is highly conserved and there is a small physicochemical difference between glutamic acid and aspartic acid. This variant is not present in population databases (ExAC no frequency). This variant has not been reported in the literature in individuals affected with BRCA2-related conditions. ClinVar contains an entry for this variant (Variation ID: 630979). Advanced modeling of protein sequence and biophysical properties (such as structural, functional, and spatial information, amino acid conservation, physicochemical variation, residue mobility, and thermodynamic stability) performed at Invitae indicates that this missense variant is not expected to disrupt BRCA2 protein function. In summary, the available evidence is currently insufficient to determine the role of this variant in disease. Therefore, it has been classified as a Variant of Uncertain Significance.

NM_000059.4(BRCA2):c.8550A>C (p.Glu2850Asp)

Gene: BRCA2 (BRCA2 DNA repair associated; plus strand). Cytogenetic location: 13q13.1.
Variant type: single nucleotide variant.
Coding change: c.8550A>C on transcript NM_000059.4 (MANE Select); coding-DNA position 8550, A replaced by C.
Protein change: p.Glu2850Asp; replaces glutamic acid 2850 with aspartic acid.
Molecular consequence: missense variant.
Genome position (GRCh38, 1-based): chr13:32,371,018, A>C. VCF-style: chr13-32371018-A-C. GRCh37 (hg19) VCF-style: chr13-32945155-A-C.
Other names: short protein forms E2850D.
Identifiers: ClinVar variation 630979 (VCV000630979.16), dbSNP rs1566249284, ClinGen allele CA387752778.